The following is an entry in ClinVar:

NM_001276270.2(MBD4):c.877G>T (p.Ala293Ser)

Gene: MBD4 (methyl-CpG binding domain 4, DNA glycosylase; minus strand). Cytogenetic location: 3q21.3.
Variant type: single nucleotide variant.
Coding change: c.877G>T on transcript NM_001276270.2 (MANE Select); coding-DNA position 877, G replaced by T.
Protein change: p.Ala293Ser; replaces alanine 293 with serine.
Molecular consequence: missense variant. On other transcripts: intron variant (1).
Genome position (GRCh38, 1-based): chr3:129,436,767, C>A on the plus strand (G>T on the coding strand, the complement: MBD4 is on the minus strand). VCF-style: chr3-129436767-C-A. GRCh37 (hg19) VCF-style: chr3-129155610-C-A.
Other names: c.877G>T, p.Ala293Ser (NM_001276271.2, NM_001276272.2, NM_003925.3); c.247+1041G>T (NM_001276273.2); short protein forms A293S.
Identifiers: ClinVar variation 4104676 (VCV004104676.2).

ClinVar aggregate classification (germline): Uncertain significance. Review status: criteria provided, multiple submitters, no conflicts (2 of 4 stars). 2 submissions from 2 submitters: Uncertain significance (2). Last evaluated 2025-12-17.

Conditions:
Inborn genetic diseases. Identifiers: MedGen C0950123, MeSH D030342.

Submissions (2):

Labcorp Genetics (formerly Invitae), Labcorp
Classification: Uncertain significance. Last evaluated: 2025-12-17. Review status: criteria provided, single submitter. Criteria: Invitae Variant Classification Sherloc (09022015). Collection method: clinical testing. Allele origin: germline.
Comment: This sequence change replaces alanine, which is neutral and non-polar, with serine, which is neutral and polar, at codon 293 of the MBD4 protein (p.Ala293Ser). The frequency data for this variant in the population databases is considered unreliable, as metrics indicate poor data quality at this position in the gnomAD database. This variant has not been reported in the literature in individuals affected with MBD4-related conditions. ClinVar contains an entry for this variant (Variation ID: 4104676). An algorithm developed to predict the effect of missense changes on protein structure and function outputs the following: PolyPhen-2: "Benign". The serine amino acid residue is found in multiple mammalian species, which suggests that this missense change does not adversely affect protein function. In summary, the available evidence is currently insufficient to determine the role of this variant in disease. Therefore, it has been classified as a Variant of Uncertain Significance.

Ambry Genetics
Classification: Uncertain significance for Inborn genetic diseases. Last evaluated: 2025-09-02. Review status: criteria provided, single submitter. Criteria: Ambry Variant Classification Scheme 2023. Collection method: clinical testing. Allele origin: germline.
Comment: The p.A293S variant (also known as c.877G>T), located in coding exon 3 of the MBD4 gene, results from a G to T substitution at nucleotide position 877. The alanine at codon 293 is replaced by serine, an amino acid with similar properties. This amino acid position is conserved. In addition, this alteration is predicted to be tolerated by in silico analysis. Based on the available evidence, the clinical significance of this variant remains unclear.